The following is an entry in ClinVar:

ClinVar aggregate classification (germline): Benign (1 of 4 stars; one submission).

Conditions:
MELAS syndrome (MELAS). Also called: Juvenile myopathy, encephalopathy, lactic acidosis, stroke. Identifiers: Orphanet 550, MedGen C0162671, MONDO:0010789, OMIM 540000.

Submission:

Wong Mito Lab, Molecular and Human Genetics, Baylor College of Medicine
Classification: Benign for MELAS syndrome. Last evaluated: 2019-07-12. Review status: criteria provided, single submitter. Criteria: Modified ACMG Guidelines (Unpublished). Collection method: clinical testing. Allele origin: germline.
Comment: The NC_012920.1:m.12245T>C variant in MT-TS2 gene is interpreted to be a Benign variant based on the modified ACMG guidelines (unpublished). This variant meets the following evidence codes reported in the guidelines: BS1, BS2, BP4

Literature cited by the submitters: PubMed 31965079; PubMed 23144833.

NC_012920.1(MT-TS2):m.12245T>C

Gene: MT-TS2 (mitochondrially encoded tRNA serine 2 (AGU/C); plus strand).
Variant type: single nucleotide variant.
Genome position: chrM-12245-T-C.
Identifiers: ClinVar variation 690171 (VCV000690171.1), dbSNP rs1603223634, ClinGen allele CA913169843.
Genomic context (GRCh38, chrMT:12,245, plus strand): 5'-GGCTTACGACCCCTTATTTACCGAGAAAGCTCACAAGAACTGCTAACTCATGCCCCCATG[T>C]CTAACAACATGGCTTTCTCAACTTTTAAAGGATAACAGCTATCCATTGGTCTTAGGCCCC-3'